The following continues an entry in ClinVar:

NM_007294.4(BRCA1):c.5143A>T (p.Ser1715Cys)

Gene: BRCA1. ClinVar aggregate classification (germline): Likely pathogenic. Likely pathogenic (1).

Submissions 6 to 9 of 9:

GeneDx
Classification: Likely pathogenic. Last evaluated: 2024-03-22. Review status: criteria provided, single submitter. Criteria: GeneDx Variant Classification Process June 2021. Collection method: clinical testing. Allele origin: germline. Affected: yes. Not counted in ClinVar's aggregate classification.
Comment: Observed in an individual with ovarian cancer (PMID: 36169650); Not observed at significant frequency in large population cohorts (gnomAD); In silico analysis supports that this missense variant has a deleterious effect on protein structure/function; Also known as 5262A>T; Published functional studies demonstrate a damaging effect: impaired homology-directed repair and transcriptional activity, and compromised protein folding and stability (PMID: 20516115, 20378548, 28781887, 30209399, 30765603, 35665744); This variant is associated with the following publications: (PMID: 20516115, 20378548, 15235020, 17305420, 12955719, 30209399, 30765603, 28781887, 35665744, 25748678, 25348405, 36169650)

Women's Health and Genetics/Laboratory Corporation of America, LabCorp
Classification: Likely pathogenic for Hereditary breast ovarian cancer syndrome. Last evaluated: 2022-12-15. Review status: criteria provided, single submitter. Criteria: LabCorp Variant Classification Summary - May 2015. Collection method: clinical testing. Allele origin: germline. Not counted in ClinVar's aggregate classification.
Comment: Variant summary: BRCA1 c.5143A>T (p.Ser1715Cys) results in a non-conservative amino acid change located in the BRCT domain (IPR001357) of the encoded protein sequence. Five of five in-silico tools predict a damaging effect of the variant on protein function. The variant has been reported to have a destabilizing effect on the BRCA1 protein (Rowling_2010). The variant was absent in 251300 control chromosomes. c.5143A>T has been reported in the literature in at-least one individual affected with and/or undergoing testing for Hereditary Breast And Ovarian Cancer (Judkins_2005). This report does not provide unequivocal conclusions about association of the variant with Hereditary Breast And Ovarian Cancer Syndrome. However, a different missense variant located at the same codon, namely p.Ser1715Asn has been reported to segregate with breast and ovarian cancer in an extended family pedigree (Campbell_2013) suggesting an impact on protein function. Several publications report experimental evidence evaluating an impact on protein function. The most pronounced variant effect results in loss of HDR capacity (Findlay_2018) and an inability to form ionization-radiation induced foci (IRIS) despite a retained ability to recruit Rad51 to sites of double stranded breaks (DSB) (Gaboriau_2015). Four clinical diagnostic laboratories have submitted clinical-significance assessments for this variant to ClinVar after 2014 without evidence for independent evaluation. Three submitters classified the variant as likely pathogenic and one classified the variant as uncertain significance. All submitters cite overlapping evidence utilized in the context of this evaluation. Based on the evidence outlined above, the variant was classified as likely pathogenic.

Breast Cancer Information Core (BIC) (BRCA1)
Classification: Uncertain significance for Breast-ovarian cancer, familial 1. Last evaluated: 2002-06-20. Review status: no assertion criteria provided. Collection method: clinical testing. Allele origin: germline. Affected: yes. Observed: 1 variant allele. Not counted in ClinVar's aggregate classification.

Brotman Baty Institute, University of Washington
No classification provided (evidence only). Condition: Breast-ovarian cancer, familial 1. Review status: no classification provided. Collection method: in vitro. Allele origin: not applicable. Functional consequence: functionally_abnormal. Not counted in ClinVar's aggregate classification.
ClinVar note: "not provided" was previously submitted as the classification for the variant. However, the classification appeared to be based only on an observation of functional data so it was converted to no classification on 2025-07-30.

Literature cited by the submitters: PubMed 17305420 (cited by 3 submitters); PubMed 20516115 (cited by 4 submitters); PubMed 25748678 (cited by 4 submitters); PubMed 30209399 (cited by 4 submitters); PubMed 36169650 (cited by Labcorp Genetics (formerly Invitae), Labcorp); PubMed 20378548 (cited by 3 submitters); PubMed 24845084 (cited by 3 submitters); PubMed 30765603 (cited by Labcorp Genetics (formerly Invitae), Labcorp and Quest Diagnostics Nichols Institute San Juan Capistrano); PubMed 11157798 (cited by Labcorp Genetics (formerly Invitae), Labcorp and Quest Diagnostics Nichols Institute San Juan Capistrano); PubMed 22856468 (cited by 3 submitters); PubMed 28781887 (cited by Quest Diagnostics Nichols Institute San Juan Capistrano and Women's Health and Genetics/Laboratory Corporation of America, LabCorp); PubMed 15235020 (cited by Quest Diagnostics Nichols Institute San Juan Capistrano and Women's Health and Genetics/Laboratory Corporation of America, LabCorp); PubMed 16267036 (cited by Quest Diagnostics Nichols Institute San Juan Capistrano and Women's Health and Genetics/Laboratory Corporation of America, LabCorp); PubMed 15385441 (cited by Quest Diagnostics Nichols Institute San Juan Capistrano and Women's Health and Genetics/Laboratory Corporation of America, LabCorp); PubMed 12955719 (cited by Quest Diagnostics Nichols Institute San Juan Capistrano and Women's Health and Genetics/Laboratory Corporation of America, LabCorp).